The following is an entry in ClinVar:

ClinVar aggregate classification (germline): Likely benign. Review status: criteria provided, multiple submitters, no conflicts (2 of 4 stars). 3 submissions from 3 submitters: Likely benign (3). Last evaluated 2026-01-22.

Conditions:
Oligodontia-cancer predisposition syndrome. Also called: TOOTH AGENESIS-COLORECTAL CANCER SYNDROME. Identifiers: Orphanet 300576, MedGen C1837750, MONDO:0012075, OMIM 608615. Disease mechanism: loss of function.

Allele frequency attached by ClinVar (database versions not stated): gnomAD exomes below 0.00001; TOPMed 0.00001; ExAC 0.00002.
gnomAD v4.1: 28 of 1,612,762 alleles (0.0017%); highest among the groups gnomAD compares: Non-Finnish European, 0.0024%; no homozygotes.

Submissions (3):

Labcorp Genetics (formerly Invitae), Labcorp
Classification: Likely benign for Oligodontia-cancer predisposition syndrome. Last evaluated: 2026-01-22. Review status: criteria provided, single submitter. Criteria: Invitae Variant Classification Sherloc (09022015). Collection method: clinical testing. Allele origin: germline.

Center for Genomic Medicine, Rigshospitalet, Copenhagen University Hospital
Classification: Likely benign. Last evaluated: 2025-03-04. Review status: criteria provided, single submitter. Criteria: ACMG Guidelines, 2015. Collection method: clinical testing. Allele origin: germline.

Myriad Genetics, Inc.
Classification: Likely benign for Oligodontia-cancer predisposition syndrome. Last evaluated: 2024-07-08. Review status: criteria provided, single submitter. Criteria: Myriad Autosomal Dominant, Autosomal Recessive and X-Linked Classification Criteria (2023). Collection method: clinical testing. Allele origin: unknown.
Comment: This variant is considered likely benign. This variant is intronic and is not expected to impact mRNA splicing.

NM_004655.4(AXIN2):c.1907+10G>A

Gene: AXIN2 (axin 2; minus strand). Cytogenetic location: 17q24.1.
Variant type: single nucleotide variant.
Coding change: c.1907+10G>A on transcript NM_004655.4 (MANE Select); 10 bases into the intron after coding-DNA position 1907, G replaced by A.
Molecular consequence: intron variant.
Genome position (GRCh38, 1-based): chr17:65,536,859, C>T on the plus strand (G>A on the coding strand, the complement: AXIN2 is on the minus strand). VCF-style: chr17-65536859-C-T. GRCh37 (hg19) VCF-style: chr17-63532977-C-T.
Other names: c.1713-306G>A (NM_001363813.1).
Identifiers: ClinVar variation 700217 (VCV000700217.18), dbSNP rs749191651, ClinGen allele CA8718492.